The following is an entry in ClinVar:

ClinVar aggregate classification (germline): Uncertain significance. Review status: criteria provided, multiple submitters, no conflicts (2 of 4 stars). 2 submissions from 2 submitters: Uncertain significance (2). Last evaluated 2025-07-22.

Conditions:
Gorlin syndrome. Also called: Nevoid Basal Cell Carcinoma Syndrome; Basal cell nevus syndrome. Identifiers: Orphanet 377, MedGen C0004779, MONDO:0007187.
Hereditary cancer-predisposing syndrome. Also called: Neoplastic Syndromes, Hereditary; Tumor predisposition; Hereditary Cancer Syndrome; Hereditary neoplastic syndrome. Identifiers: Orphanet 140162, MedGen C0027672, MeSH D009386, MONDO:0015356.

Submissions (2):

Labcorp Genetics (formerly Invitae), Labcorp
Classification: Uncertain significance for Gorlin syndrome. Last evaluated: 2025-07-22. Review status: criteria provided, single submitter. Criteria: Invitae Variant Classification Sherloc (09022015). Collection method: clinical testing. Allele origin: germline.
Comment: This sequence change replaces leucine, which is neutral and non-polar, with proline, which is neutral and non-polar, at codon 1062 of the PTCH1 protein (p.Leu1062Pro). This variant is not present in population databases (gnomAD no frequency). This variant has not been reported in the literature in individuals affected with PTCH1-related conditions. ClinVar contains an entry for this variant (Variation ID: 1728584). Invitae Evidence Modeling of protein sequence and biophysical properties (such as structural, functional, and spatial information, amino acid conservation, physicochemical variation, residue mobility, and thermodynamic stability) has been performed for this missense variant. However, the output from this modeling did not meet the statistical confidence thresholds required to predict the impact of this variant on PTCH1 protein function. In summary, the available evidence is currently insufficient to determine the role of this variant in disease. Therefore, it has been classified as a Variant of Uncertain Significance.

Ambry Genetics
Classification: Uncertain significance for Hereditary cancer-predisposing syndrome. Last evaluated: 2021-11-08. Review status: criteria provided, single submitter. Criteria: Ambry Variant Classification Scheme 2023. Collection method: clinical testing. Allele origin: germline.
Comment: The p.L1062P variant (also known as c.3185T>C), located in coding exon 19 of the PTCH1 gene, results from a T to C substitution at nucleotide position 3185. The leucine at codon 1062 is replaced by proline, an amino acid with similar properties. This amino acid position is highly conserved in available vertebrate species. In addition, this alteration is predicted to be deleterious by in silico analysis. Since supporting evidence is limited at this time, the clinical significance of this alteration remains unclear.

NM_000264.5(PTCH1):c.3185T>C (p.Leu1062Pro)

Gene: PTCH1 (patched 1; minus strand). Cytogenetic location: 9q22.32.
Variant type: single nucleotide variant.
Coding change: c.3185T>C on transcript NM_000264.5 (MANE Select); coding-DNA position 3185, T replaced by C.
Protein change: p.Leu1062Pro; replaces leucine 1062 with proline.
Molecular consequence: missense variant. On other transcripts: non-coding transcript variant (1).
Genome position (GRCh38, 1-based): chr9:95,456,397, A>G on the plus strand (T>C on the coding strand, the complement: PTCH1 is on the minus strand). VCF-style: chr9-95456397-A-G. GRCh37 (hg19) VCF-style: chr9-98218679-A-G.
Other names: c.2732T>C, p.Leu911Pro (NM_001083605.3, NM_001083606.3, NM_001083607.3 and 1 more transcripts); c.3029T>C, p.Leu1010Pro (NM_001354918.2); c.2987T>C, p.Leu996Pro (NM_001083602.3); c.3182T>C, p.Leu1061Pro (NM_001083603.3); short protein forms L911P, L1061P, L996P, L1010P, L1062P.
Identifiers: ClinVar variation 1728584 (VCV001728584.4), dbSNP rs2136650187, ClinGen allele CA374112201.